The following is an entry in ClinVar:

ClinVar aggregate classification (germline): Likely benign (1 of 4 stars; one submission).

Submission:

CeGaT Center for Human Genetics Tuebingen
Classification: Likely benign. Last evaluated: 2024-02-01. Review status: criteria provided, single submitter. Criteria: CeGaT Center For Human Genetics Tuebingen Variant Classification Criteria Version 2. Collection method: clinical testing. Allele origin: germline. Affected: yes. Observed: 1 variant allele.
Comment: TTN: PM2:Supporting, BP4, BP7

NM_001267550.2(TTN):c.105420C>T (p.Val35140=)

Genes: TTN-AS1 (TTN antisense RNA 1; plus strand), TTN (titin; minus strand). Cytogenetic location: 2q31.2.
Variant type: single nucleotide variant.
Coding change: c.105420C>T on transcript NM_001267550.2 (MANE Select); coding-DNA position 105420, C replaced by T.
Protein change: p.Val35140=; no amino-acid change (valine 35140 retained).
Molecular consequence: synonymous variant.
Genome position (GRCh38, 1-based): chr2:178,531,195, G>A on the plus strand (C>T on the coding strand, the complement: TTN is on the minus strand). VCF-style: chr2-178531195-G-A. GRCh37 (hg19) VCF-style: chr2-179395922-G-A.
Other names: c.100497C>T, p.Val33499= (NM_001256850.1); c.78225C>T, p.Val26075= (NM_003319.4); c.97716C>T, p.Val32572= (NM_133378.4); c.78600C>T, p.Val26200= (NM_133432.3); c.78801C>T, p.Val26267= (NM_133437.4).
Identifiers: ClinVar variation 3027288 (VCV003027288.22), dbSNP rs1688971551, ClinGen allele CA430235791.